The following is an entry in ClinVar:

ClinVar aggregate classification (germline): Pathogenic/Likely pathogenic. Review status: criteria provided, multiple submitters, no conflicts (2 of 4 stars). 2 submissions from 2 submitters: Pathogenic (1); Likely pathogenic (1). Last evaluated 2023-02-09.

Conditions:
Facioscapulohumeral muscular dystrophy 2 (FSHD2). Also called: FACIOSCAPULOHUMERAL MUSCULAR DYSTROPHY 2, DIGENIC; FSHD2, DIGENIC; MUSCULAR DYSTROPHY, FACIOSCAPULOHUMERAL, TYPE 1B. Identifiers: Orphanet 269, MedGen C1834671, MONDO:0008031, OMIM 158901.

Submissions (2):

Labcorp Genetics (formerly Invitae), Labcorp
Classification: Pathogenic for Facioscapulohumeral muscular dystrophy 2. Last evaluated: 2023-02-09. Review status: criteria provided, single submitter. Criteria: Invitae Variant Classification Sherloc (09022015). Collection method: clinical testing. Allele origin: germline.
Comment: For these reasons, this variant has been classified as Pathogenic. This variant has not been reported in the literature in individuals affected with SMCHD1-related conditions. This variant is not present in population databases (gnomAD no frequency). This sequence change creates a premature translational stop signal (p.Ser1313*) in the SMCHD1 gene. It is expected to result in an absent or disrupted protein product. Loss-of-function variants in SMCHD1 are known to be pathogenic (PMID: 23143600).

Revvity Omics, Revvity
Classification: Likely pathogenic. Last evaluated: 2022-02-09. Review status: criteria provided, single submitter. Criteria: ACMG Guidelines, 2015. Collection method: clinical testing. Allele origin: germline.

Literature cited by the submitters: PubMed 23143600 (cited by Labcorp Genetics (formerly Invitae), Labcorp).

NM_015295.3(SMCHD1):c.3938C>G (p.Ser1313Ter)

Gene: SMCHD1 (structural maintenance of chromosomes flexible hinge domain containing 1; plus strand). Cytogenetic location: 18p11.32.
Variant type: single nucleotide variant.
Coding change: c.3938C>G on transcript NM_015295.3 (MANE Select); coding-DNA position 3938, C replaced by G.
Protein change: p.Ser1313Ter; replaces serine 1313 with a stop codon.
Molecular consequence: nonsense.
Genome position (GRCh38, 1-based): chr18:2,750,053, C>G. VCF-style: chr18-2750053-C-G. GRCh37 (hg19) VCF-style: chr18-2750051-C-G.
Other names: short protein forms S1313*.
Identifiers: ClinVar variation 2433614 (VCV002433614.6), dbSNP rs1345926097, ClinGen allele CA401691385.